The following is an entry in ClinVar:

NM_000143.4(FH):c.10G>A (p.Ala4Thr)

Gene: FH (fumarate hydratase; minus strand). Cytogenetic location: 1q43.
Variant type: single nucleotide variant.
Coding change: c.10G>A on transcript NM_000143.4 (MANE Select); coding-DNA position 10, G replaced by A.
Protein change: p.Ala4Thr; replaces alanine 4 with threonine.
Molecular consequence: missense variant.
Genome position (GRCh38, 1-based): chr1:241,519,713, C>T on the plus strand (G>A on the coding strand, the complement: FH is on the minus strand). VCF-style: chr1-241519713-C-T. GRCh37 (hg19) VCF-style: chr1-241683013-C-T.
Other names: short protein forms A4T.
Identifiers: ClinVar variation 649456 (VCV000649456.21), dbSNP rs1573890047, ClinGen allele CA345443100.

ClinVar aggregate classification (germline): Conflicting classifications of pathogenicity. Review status: criteria provided, conflicting classifications (1 of 4 stars). 4 submissions from 4 submitters: Uncertain significance (2); Likely benign (1). 1 of the submissions does not count toward it. Last evaluated 2026-01-13.

Conditions:
Hereditary cancer-predisposing syndrome. Also called: Neoplastic Syndromes, Hereditary; Hereditary Cancer Syndrome; Tumor predisposition; Hereditary neoplastic syndrome. Identifiers: Orphanet 140162, MedGen C0027672, MeSH D009386, MONDO:0015356.
Fumarase deficiency (FMRD). Also called: Fumaric aciduria; Fumarate Hydratase Deficiency. Identifiers: Orphanet 24, MedGen C0342770, MONDO:0011730, OMIM 606812.

Submissions (4):

Labcorp Genetics (formerly Invitae), Labcorp
Classification: Likely benign. Last evaluated: 2026-01-13. Review status: criteria provided, single submitter. Criteria: Invitae Variant Classification Sherloc (09022015). Collection method: clinical testing. Allele origin: germline.

CeGaT Center for Human Genetics Tuebingen
Classification: Uncertain significance. Last evaluated: 2025-11-01. Review status: criteria provided, single submitter. Criteria: CeGaT Center For Human Genetics Tuebingen Variant Classification Criteria Version 2. Collection method: clinical testing. Allele origin: germline. Affected: yes. Observed: 1 variant allele.
Comment: FH: PM2

Ambry Genetics
Classification: Uncertain significance for Hereditary cancer-predisposing syndrome. Last evaluated: 2025-02-09. Review status: criteria provided, single submitter. Criteria: Ambry Variant Classification Scheme 2023. Collection method: clinical testing. Allele origin: germline.
Comment: The p.A4T variant (also known as c.10G>A), located in coding exon 1 of the FH gene, results from a G to A substitution at nucleotide position 10. The alanine at codon 4 is replaced by threonine, an amino acid with similar properties. This amino acid position is not well conserved in available vertebrate species. In addition, this alteration is predicted to be tolerated by in silico analysis. Since supporting evidence is limited at this time, the clinical significance of this alteration remains unclear.

Natera, Inc.
Classification: Uncertain significance for Fumarase Deficiency. Last evaluated: 2021-02-04. Review status: no assertion criteria provided. Collection method: clinical testing. Allele origin: germline. Not counted in ClinVar's aggregate classification.